The following is an entry in ClinVar:

NM_020708.5(SLC12A5):c.2448G>T (p.Gly816=)

Gene: SLC12A5 (solute carrier family 12 member 5; plus strand). Cytogenetic location: 20q13.12.
Variant type: single nucleotide variant.
Coding change: c.2448G>T on transcript NM_020708.5 (MANE Select); coding-DNA position 2448, G replaced by T.
Protein change: p.Gly816=; no amino-acid change (glycine 816 retained).
Molecular consequence: synonymous variant.
Genome position (GRCh38, 1-based): chr20:46,053,027, G>T. VCF-style: chr20-46053027-G-T. GRCh37 (hg19) VCF-style: chr20-44681666-G-T.
Other names: c.2517G>T, p.Gly839= (NM_001134771.2).
Identifiers: ClinVar variation 2111221 (VCV002111221.4), dbSNP rs2515650535, ClinGen allele CA510656844.

ClinVar aggregate classification (germline): Uncertain significance (1 of 4 stars; one submission).

Conditions:
Developmental and epileptic encephalopathy, 34 (DEE34). Also called: SLC12A5-Related Epilepsy of Infancy with Migrating Focal Seizures; Early infantile epileptic encephalopathy 34. Identifiers: Orphanet 293181, MedGen C4225257, MONDO:0014718, OMIM 616645.

Submission:

Labcorp Genetics (formerly Invitae), Labcorp
Classification: Uncertain significance for Developmental and epileptic encephalopathy, 34. Last evaluated: 2022-03-13. Review status: criteria provided, single submitter. Criteria: Invitae Variant Classification Sherloc (09022015). Collection method: clinical testing. Allele origin: germline.
Comment: In summary, the available evidence is currently insufficient to determine the role of this variant in disease. Therefore, it has been classified as a Variant of Uncertain Significance. Algorithms developed to predict the effect of sequence changes on RNA splicing suggest that this variant may create or strengthen a splice site. This variant has not been reported in the literature in individuals affected with SLC12A5-related conditions. This variant is not present in population databases (gnomAD no frequency). This sequence change affects codon 816 of the SLC12A5 mRNA. It is a 'silent' change, meaning that it does not change the encoded amino acid sequence of the SLC12A5 protein.